The following is an entry in ClinVar:

NM_000548.5(TSC2):c.1398G>A (p.Leu466=)

Gene: TSC2 (TSC complex subunit 2; plus strand). Cytogenetic location: 16p13.3.
Variant type: single nucleotide variant.
Coding change: c.1398G>A on transcript NM_000548.5 (MANE Select); coding-DNA position 1398, G replaced by A.
Protein change: p.Leu466=; no amino-acid change (leucine 466 retained).
Molecular consequence: synonymous variant.
Genome position (GRCh38, 1-based): chr16:2,063,008, G>A. VCF-style: chr16-2063008-G-A. GRCh37 (hg19) VCF-style: chr16-2113009-G-A.
Other names: c.1398G>A (NM_000548.4); c.1398G>A, p.Leu466= (NM_001077183.3, NM_001114382.3, NM_001363528.2 and 3 more transcripts); c.1287G>A, p.Leu429= (NM_001318827.2); c.1251G>A, p.Leu417= (NM_001318829.2); c.798G>A, p.Leu266= (NM_001318831.2); c.1431G>A, p.Leu477= (NM_001318832.2).
Identifiers: ClinVar variation 237965 (VCV000237965.63), dbSNP rs200702857, ClinGen allele CA10583295.

ClinVar aggregate classification (germline): Benign/Likely benign. Review status: criteria provided, multiple submitters, no conflicts (2 of 4 stars). 11 submissions from 11 submitters: Benign (6); Likely benign (4). 1 of the submissions does not count toward it. Last evaluated 2026-01-19.

Conditions:
TSC2-related disorder. Also called: TSC2-Related Disorders; TSC2-related condition.
Hereditary cancer-predisposing syndrome. Also called: Tumor predisposition; Hereditary Cancer Syndrome; Neoplastic Syndromes, Hereditary; Hereditary neoplastic syndrome. Identifiers: Orphanet 140162, MedGen C0027672, MeSH D009386, MONDO:0015356.
Tuberous sclerosis syndrome (TSC). Also called: Tuberous Sclerosis Complex; Tuberous sclerosis. Identifiers: Orphanet 805, MedGen C0041341, MONDO:0001734.
Tuberous sclerosis 2 (TSC2). Identifiers: Orphanet 805, MedGen C1860707, MONDO:0013199, OMIM 613254.

Allele frequency attached by ClinVar (database versions not stated): gnomAD 0.00001 and 0.00005; gnomAD exomes 0.00003 and 0.00006; TOPMed 0.00010; 1000 Genomes Project 30x 0.00016; 1000 Genomes Project 0.00020.

Submissions (11):

Labcorp Genetics (formerly Invitae), Labcorp
Classification: Benign for Tuberous sclerosis 2. Last evaluated: 2026-01-19. Review status: criteria provided, single submitter. Criteria: Invitae Variant Classification Sherloc (09022015). Collection method: clinical testing. Allele origin: germline.

Myriad Genetics, Inc.
Classification: Benign for Tuberous sclerosis 2. Last evaluated: 2025-05-14. Review status: criteria provided, single submitter. Criteria: Myriad Autosomal Dominant, Autosomal Recessive and X-Linked Classification Criteria (2023). Collection method: clinical testing. Allele origin: unknown.
Comment: This variant is considered benign. This variant is a silent/synonymous amino acid change and it is not expected to impact splicing.

Blueprint Genetics
Classification: Likely benign. Last evaluated: 2024-10-28. Review status: criteria provided, single submitter. Criteria: ACMG Guidelines, 2015. Collection method: clinical testing. Allele origin: germline.

All of Us Research Program, National Institutes of Health
Classification: Benign for Tuberous sclerosis syndrome. Last evaluated: 2023-12-01. Review status: criteria provided, single submitter. Criteria: ACMG Guidelines, 2015. Collection method: clinical testing. Allele origin: germline. Inheritance: Autosomal dominant inheritance. Observed: 5 variant alleles, 5 heterozygotes.
Comment: This study involves interpretation of variants in research participants for the purpose of population health screening. Participant phenotype was not available at the time of variant classification. Additional details can be found in publication PMID: 35346344, PMCID: PMC8962531

Color Diagnostics, LLC DBA Color Health
Classification: Benign for Tuberous sclerosis syndrome. Last evaluated: 2022-09-20. Review status: criteria provided, single submitter. Criteria: ACMG Guidelines, 2015. Collection method: clinical testing. Allele origin: germline.

Genome-Nilou Lab
Classification: Benign for Tuberous sclerosis 2. Last evaluated: 2021-11-07. Review status: criteria provided, single submitter. Criteria: ACMG Guidelines, 2015. Collection method: clinical testing. Allele origin: germline. Affected: no.

Sema4
Classification: Benign for Hereditary cancer-predisposing syndrome. Last evaluated: 2021-03-29. Review status: criteria provided, single submitter. Criteria: Sema4 Curation Guidelines. Collection method: curation. Allele origin: germline.

GeneDx
Classification: Likely benign. Last evaluated: 2020-11-10. Review status: criteria provided, single submitter. Criteria: GeneDx Variant Classification Process June 2021. Collection method: clinical testing. Allele origin: germline. Affected: yes.

Ambry Genetics
Classification: Likely benign for Hereditary cancer-predisposing syndrome. Last evaluated: 2019-04-16. Review status: criteria provided, single submitter. Criteria: Ambry Variant Classification Scheme 2023. Collection method: clinical testing. Allele origin: germline.

CeGaT Center for Human Genetics Tuebingen
Classification: Likely benign. Last evaluated: 2019-02-01. Review status: criteria provided, single submitter. Criteria: CeGaT Center For Human Genetics Tuebingen Variant Classification Criteria Version 2. Collection method: clinical testing. Allele origin: germline. Affected: yes. Observed: 1 variant allele.

PreventionGenetics, part of Exact Sciences
Classification: Likely benign for TSC2-related condition. Last evaluated: 2023-01-07. Review status: no assertion criteria provided. Collection method: clinical testing. Allele origin: germline. Not counted in ClinVar's aggregate classification.
Comment: This variant is classified as likely benign based on ACMG/AMP sequence variant interpretation guidelines (Richards et al. 2015 PMID: 25741868, with internal and published modifications).